The following is an entry in ClinVar:

ClinVar aggregate classification (germline): Benign. Review status: criteria provided, multiple submitters, no conflicts (2 of 4 stars). 9 submissions from 8 submitters: Benign (7). 2 of the submissions do not count toward it. Last evaluated 2026-05-09.

Conditions:
Connective tissue disorder. Also called: Connective tissue disease. Identifiers: MedGen C0009782, MONDO:0003900.
Type 2 collagenopathy. Identifiers: Orphanet 93421, MedGen C2931073, MONDO:0022800.
Stickler syndrome type 1 (STL1). Also called: COL2A1-Related Stickler Syndrome; ARTHROOPHTHALMOPATHY, HEREDITARY PROGRESSIVE; STICKLER SYNDROME, MEMBRANOUS VITREOUS TYPE; STICKLER SYNDROME, VITREOUS TYPE 1. Identifiers: Orphanet 828, Orphanet 90653, MedGen C2020284, MONDO:0007160, OMIM 108300.

Allele frequency attached by ClinVar (database versions not stated): TOPMed 0.02720; 1000 Genomes Project 30x 0.03107; ExAC 0.01562; gnomAD 0.02445 and 0.02608; 1000 Genomes Project 0.02855; ESP Exome Variant Server 0.02902; gnomAD exomes 0.00239 and 0.00597.
gnomAD v4.1: 7,314 of 1,596,248 alleles (0.46%); highest among the groups gnomAD compares: African/African-American, 8.4%; 331 homozygotes.

Submissions (9):

Women's Health and Genetics/Laboratory Corporation of America, LabCorp
Classification: Benign. Last evaluated: 2026-05-09. Review status: criteria provided, single submitter. Criteria: LabCorp Variant Classification Summary - May 2015. Collection method: clinical testing. Allele origin: germline.

Labcorp Genetics (formerly Invitae), Labcorp
Classification: Benign. Last evaluated: 2026-02-03. Review status: criteria provided, single submitter. Criteria: Invitae Variant Classification Sherloc (09022015). Collection method: clinical testing. Allele origin: germline.

Genome Diagnostics Laboratory, The Hospital for Sick Children
Classification: Benign for Connective tissue disorder. Last evaluated: 2021-09-02. Review status: criteria provided, single submitter. Criteria: ACMG Guidelines, 2015. Collection method: clinical testing. Allele origin: germline.

Illumina Laboratory Services, Illumina
Classification: Benign for Stickler syndrome type 1. Last evaluated: 2018-01-13. Review status: criteria provided, single submitter. Criteria: ICSL Variant Classification Criteria 13 December 2019. Collection method: clinical testing. Allele origin: germline.
Comment: This variant was observed in the ICSL laboratory as part of a predisposition screen in an ostensibly healthy population. It had not been previously curated by ICSL or reported in the Human Gene Mutation Database (HGMD: prior to June 1st, 2018), and was therefore a candidate for classification through an automated scoring system. Utilizing variant allele frequency, disease prevalence and penetrance estimates, and inheritance mode, an automated score was calculated to assess if this variant is too frequent to cause the disease. Based on the score and internal cut-off values, a variant classified as benign is not then subjected to further curation. The score for this variant resulted in a classification of benign for this disease.

Illumina Laboratory Services, Illumina
Classification: Benign for Type II Collagenopathies. Last evaluated: 2018-01-13. Review status: criteria provided, single submitter. Criteria: ICSL Variant Classification Criteria 13 December 2019. Collection method: clinical testing. Allele origin: germline.
Comment: the same text as in the submission from Illumina Laboratory Services, Illumina above.

GeneDx
Classification: Benign. Last evaluated: 2016-10-10. Review status: criteria provided, single submitter. Criteria: GeneDx Variant Classification (06012015). Collection method: clinical testing. Allele origin: germline. Affected: yes.
Comment: This variant is considered likely benign or benign based on one or more of the following criteria: it is a conservative change, it occurs at a poorly conserved position in the protein, it is predicted to be benign by multiple in silico algorithms, and/or has population frequency not consistent with disease.

PreventionGenetics, part of Exact Sciences
Classification: Benign. Review status: criteria provided, single submitter. Criteria: ACMG Guidelines, 2015. Collection method: clinical testing. Allele origin: germline.

Genome Diagnostics Laboratory, Amsterdam University Medical Center
Classification: Benign. Review status: no assertion criteria provided. Collection method: clinical testing. Allele origin: germline. Affected: yes. Study: VKGL Data-share Consensus. Not counted in ClinVar's aggregate classification.

Joint Genome Diagnostic Labs from Nijmegen and Maastricht, Radboudumc and MUMC+
Classification: Benign. Review status: no assertion criteria provided. Collection method: clinical testing. Allele origin: germline. Affected: yes. Study: VKGL Data-share Consensus. Not counted in ClinVar's aggregate classification.

NM_001844.5(COL2A1):c.2625+9C>T

Gene: COL2A1 (collagen type II alpha 1 chain; minus strand). Cytogenetic location: 12q13.11.
Variant type: single nucleotide variant.
Coding change: c.2625+9C>T on transcript NM_001844.5 (MANE Select); 9 bases into the intron after coding-DNA position 2625, C replaced by T.
Molecular consequence: intron variant.
Genome position (GRCh38, 1-based): chr12:47,980,545, G>A on the plus strand (C>T on the coding strand, the complement: COL2A1 is on the minus strand). VCF-style: chr12-47980545-G-A. GRCh37 (hg19) VCF-style: chr12-48374328-G-A.
Other names: c.2418+9C>T (NM_033150.3).
Identifiers: ClinVar variation 258230 (VCV000258230.21), dbSNP rs41272027, ClinGen allele CA6535045.